The following is an entry in ClinVar:

NM_020631.6(PLEKHG5):c.-88+5G>A

Gene: PLEKHG5 (pleckstrin homology and RhoGEF domain containing G5; minus strand). Cytogenetic location: 1p36.31.
Variant type: single nucleotide variant.
Coding change: c.-88+5G>A on transcript NM_020631.6 (MANE Select); 5 bases into the intron after 88 bases upstream of the start codon, G replaced by A.
Molecular consequence: intron variant.
Genome position (GRCh38, 1-based): chr1:6,491,632, C>T on the plus strand (G>A on the coding strand, the complement: PLEKHG5 is on the minus strand). VCF-style: chr1-6491632-C-T. GRCh37 (hg19) VCF-style: chr1-6551692-C-T.
Other names: NC_000001.10:g.6551692C>T; c.-88+4861G>A (NM_198681.4); c.24+4861G>A (NM_001042663.3, NM_001265592.2).
Identifiers: ClinVar variation 138696 (VCV000138696.7), dbSNP rs3007429, ClinGen allele CA292786.

ClinVar aggregate classification (germline): Benign. Review status: criteria provided, multiple submitters, no conflicts (2 of 4 stars). 3 submissions from 3 submitters: Benign (3). Last evaluated 2018-01-13.

Conditions:
Neuronopathy, distal hereditary motor, autosomal recessive 4. Also called: Autosomal recessive lower motor neuron disease with childhood onset; NEUROPATHY, DISTAL HEREDITARY MOTOR, AUTOSOMAL RECESSIVE 4. Identifiers: Orphanet 206580, MedGen C1970211, MONDO:0012608, OMIM 611067.

Allele frequency attached by ClinVar (database versions not stated): gnomAD exomes 0.07254; gnomAD 0.22203 and 0.22575; TOPMed 0.23939; 1000 Genomes Project 30x 0.31371; 1000 Genomes Project 0.31709.
gnomAD v4.1: 95,176 of 983,754 alleles (9.7%); highest among the groups gnomAD compares: African/African-American, 55%; 12,015 homozygotes.

Submissions (22):

Illumina Laboratory Services, Illumina
Classification: Benign for Neuronopathy, distal hereditary motor, autosomal recessive 4. Last evaluated: 2018-01-13. Review status: criteria provided, single submitter. Criteria: ICSL Variant Classification Criteria 13 December 2019. Collection method: clinical testing. Allele origin: germline.
Comment: This variant was observed in the ICSL laboratory as part of a predisposition screen in an ostensibly healthy population. It had not been previously curated by ICSL or reported in the Human Gene Mutation Database (HGMD: prior to June 1st, 2018), and was therefore a candidate for classification through an automated scoring system. Utilizing variant allele frequency, disease prevalence and penetrance estimates, and inheritance mode, an automated score was calculated to assess if this variant is too frequent to cause the disease. Based on the score and internal cut-off values, a variant classified as benign is not then subjected to further curation. The score for this variant resulted in a classification of benign for this disease.

GeneDx
Classification: Benign. Last evaluated: 2014-01-28. Review status: criteria provided, single submitter. Criteria: GeneDx Variant Classification (06012015). Collection method: clinical testing. Allele origin: germline. Affected: yes.
Comment: This variant is considered likely benign or benign based on one or more of the following criteria: it is a conservative change, it occurs at a poorly conserved position in the protein, it is predicted to be benign by multiple in silico algorithms, and/or has population frequency not consistent with disease.

Breakthrough Genomics
Classification: Benign. Review status: criteria provided, single submitter. Criteria: ACMG Guidelines, 2015. Collection method: not provided. Allele origin: germline. Inheritance: Autosomal recessive inheritance. Affected: yes.

Dr. Peter K. Rogan Lab, Western University
No classification provided (evidence only). Condition: Acute myeloid leukemia. Review status: no classification provided. Collection method: in vitro. Allele origin: not applicable. Functional consequence: retained intron. Not counted in ClinVar's aggregate classification.

Dr. Peter K. Rogan Lab, Western University
No classification provided (evidence only). Condition: Ovarian serous cystadenocarcinoma. Review status: no classification provided. Collection method: in vitro. Allele origin: not applicable. Functional consequence: retained intron. Not counted in ClinVar's aggregate classification.

Dr. Peter K. Rogan Lab, Western University
No classification provided (evidence only). Condition: Ovarian serous cystadenocarcinoma. Review status: no classification provided. Collection method: in vitro. Allele origin: not applicable. Functional consequence: retained intron. Not counted in ClinVar's aggregate classification.

Dr. Peter K. Rogan Lab, Western University
No classification provided (evidence only). Condition: Ovarian serous cystadenocarcinoma. Review status: no classification provided. Collection method: in vitro. Allele origin: not applicable. Functional consequence: retained intron. Not counted in ClinVar's aggregate classification.

Dr. Peter K. Rogan Lab, Western University
No classification provided (evidence only). Condition: Uterine carcinosarcoma. Review status: no classification provided. Collection method: in vitro. Allele origin: not applicable. Functional consequence: retained intron. Not counted in ClinVar's aggregate classification.

Dr. Peter K. Rogan Lab, Western University
No classification provided (evidence only). Condition: Nonpapillary renal cell carcinoma. Review status: no classification provided. Collection method: in vitro. Allele origin: not applicable. Functional consequence: retained intron. Not counted in ClinVar's aggregate classification.

Dr. Peter K. Rogan Lab, Western University
No classification provided (evidence only). Condition: Nonpapillary renal cell carcinoma. Review status: no classification provided. Collection method: in vitro. Allele origin: not applicable. Functional consequence: retained intron. Not counted in ClinVar's aggregate classification.

Dr. Peter K. Rogan Lab, Western University
No classification provided (evidence only). Condition: Nonpapillary renal cell carcinoma. Review status: no classification provided. Collection method: in vitro. Allele origin: not applicable. Functional consequence: retained intron. Not counted in ClinVar's aggregate classification.

Dr. Peter K. Rogan Lab, Western University
No classification provided (evidence only). Condition: Nonpapillary renal cell carcinoma. Review status: no classification provided. Collection method: in vitro. Allele origin: not applicable. Functional consequence: retained intron. Not counted in ClinVar's aggregate classification.

Dr. Peter K. Rogan Lab, Western University
No classification provided (evidence only). Condition: Nonpapillary renal cell carcinoma. Review status: no classification provided. Collection method: in vitro. Allele origin: not applicable. Functional consequence: retained intron. Not counted in ClinVar's aggregate classification.

Dr. Peter K. Rogan Lab, Western University
No classification provided (evidence only). Condition: Nonpapillary renal cell carcinoma. Review status: no classification provided. Collection method: in vitro. Allele origin: not applicable. Functional consequence: retained intron. Not counted in ClinVar's aggregate classification.

Dr. Peter K. Rogan Lab, Western University
No classification provided (evidence only). Condition: Familial pancreatic carcinoma. Review status: no classification provided. Collection method: in vitro. Allele origin: not applicable. Functional consequence: retained intron. Not counted in ClinVar's aggregate classification.

Dr. Peter K. Rogan Lab, Western University
No classification provided (evidence only). Condition: Familial pancreatic carcinoma. Review status: no classification provided. Collection method: in vitro. Allele origin: not applicable. Functional consequence: retained intron. Not counted in ClinVar's aggregate classification.

Dr. Peter K. Rogan Lab, Western University
No classification provided (evidence only). Condition: Familial pancreatic carcinoma. Review status: no classification provided. Collection method: in vitro. Allele origin: not applicable. Functional consequence: retained intron. Not counted in ClinVar's aggregate classification.

Dr. Peter K. Rogan Lab, Western University
No classification provided (evidence only). Condition: Lymphoma. Review status: no classification provided. Collection method: in vitro. Allele origin: not applicable. Functional consequence: retained intron. Not counted in ClinVar's aggregate classification.

Dr. Peter K. Rogan Lab, Western University
No classification provided (evidence only). Condition: Ovarian cancer. Review status: no classification provided. Collection method: in vitro. Allele origin: not applicable. Functional consequence: retained intron. Not counted in ClinVar's aggregate classification.

Dr. Peter K. Rogan Lab, Western University
No classification provided (evidence only). Condition: Ovarian cancer. Review status: no classification provided. Collection method: in vitro. Allele origin: not applicable. Functional consequence: retained intron. Not counted in ClinVar's aggregate classification.

Dr. Peter K. Rogan Lab, Western University
No classification provided (evidence only). Condition: Ovarian cancer. Review status: no classification provided. Collection method: in vitro. Allele origin: not applicable. Functional consequence: retained intron. Not counted in ClinVar's aggregate classification.

Dr. Peter K. Rogan Lab, Western University
No classification provided (evidence only). Condition: Ovarian cancer. Review status: no classification provided. Collection method: in vitro. Allele origin: not applicable. Functional consequence: retained intron. Not counted in ClinVar's aggregate classification.